The following is an entry in ClinVar:

ClinVar aggregate classification (germline): Uncertain significance (1 of 4 stars; one submission).

Conditions:
Neuronal ceroid lipofuscinosis 7 (CLN7). Also called: MFSD8-Related Neuronal Ceroid-Lipofuscinosis. Identifiers: Orphanet 168491, Orphanet 228366, MedGen C1838571, MONDO:0012588, OMIM 610951.

Submission:

Labcorp Genetics (formerly Invitae), Labcorp
Classification: Uncertain significance for Neuronal ceroid lipofuscinosis 7. Last evaluated: 2022-08-06. Review status: criteria provided, single submitter. Criteria: Invitae Variant Classification Sherloc (09022015). Collection method: clinical testing. Allele origin: germline.
Comment: This variant has not been reported in the literature in individuals affected with MFSD8-related conditions. This sequence change replaces serine, which is neutral and polar, with phenylalanine, which is neutral and non-polar, at codon 168 of the MFSD8 protein (p.Ser168Phe). This variant is not present in population databases (gnomAD no frequency). Algorithms developed to predict the effect of missense changes on protein structure and function are either unavailable or do not agree on the potential impact of this missense change (SIFT: "Deleterious"; PolyPhen-2: "Benign"; Align-GVGD: "Class C15"). In summary, the available evidence is currently insufficient to determine the role of this variant in disease. Therefore, it has been classified as a Variant of Uncertain Significance.

NM_001371596.2(MFSD8):c.503C>T (p.Ser168Phe)

Gene: MFSD8 (major facilitator superfamily domain containing 8; minus strand). Cytogenetic location: 4q28.2.
Variant type: single nucleotide variant.
Coding change: c.503C>T on transcript NM_001371596.2 (MANE Select); coding-DNA position 503, C replaced by T.
Protein change: p.Ser168Phe; replaces serine 168 with phenylalanine.
Molecular consequence: missense variant. On other transcripts: intron variant (4).
Genome position (GRCh38, 1-based): chr4:127,942,095, G>A on the plus strand (C>T on the coding strand, the complement: MFSD8 is on the minus strand). VCF-style: chr4-127942095-G-A. GRCh37 (hg19) VCF-style: chr4-128863250-G-A.
Other names: c.503C>T, p.Ser168Phe (NM_001363520.3, NM_001371591.2, NM_001371592.2 and 2 more transcripts); c.368C>T, p.Ser123Phe (NM_001371590.2, NM_001371595.1); c.304+1657C>T (NM_001410765.1); c.439+1657C>T (NM_001363521.3, NM_001410766.1, NM_001371593.2); short protein forms S123F, S168F.
Identifiers: ClinVar variation 1715416 (VCV001715416.6), dbSNP rs2546153441, ClinGen allele CA358176228.